The following is an entry in ClinVar:

NM_004006.3(DMD):c.9362-1149A>G

Gene: DMD (dystrophin; minus strand). Cytogenetic location: Xp21.2.
Variant type: single nucleotide variant.
Coding change: c.9362-1149A>G on transcript NM_004006.3 (MANE Select); 1149 bases into the intron before coding-DNA position 9362, A replaced by G.
Molecular consequence: intron variant.
Genome position (GRCh38, 1-based): chrX:31,210,848, T>C on the plus strand (A>G on the coding strand, the complement: DMD is on the minus strand). VCF-style: chrX-31210848-T-C. GRCh37 (hg19) VCF-style: chrX-31228965-T-C.
Other names: c.9338-1149A>G (NM_000109.4); c.5339-1149A>G (NM_004011.4); c.5330-1149A>G (NM_004012.4); c.1982-1149A>G (NM_004023.3, NM_004020.4, NM_004022.3 and 2 more transcripts); c.1175-1149A>G (NM_004014.3); c.158-1149A>G (NM_004018.3, NM_004017.3, NM_004016.3 and 2 more transcripts); c.9350-1149A>G (NM_004009.3); c.8993-1149A>G (NM_004010.3).
Identifiers: ClinVar variation 671412 (VCV000671412.2), dbSNP rs12389409, ClinGen allele CA328408260.

ClinVar aggregate classification (germline): Benign. Review status: criteria provided, single submitter (1 of 4 stars). 2 submissions from 2 submitters: Benign (1). 1 of the submissions does not count toward it. Last evaluated 2018-06-14.

Conditions:
Dystrophin deficiency.

Allele frequency attached by ClinVar (database versions not stated): 1000 Genomes Project 0.03364; 1000 Genomes Project 30x 0.03455; gnomAD 0.06444 and 0.06658; TOPMed 0.06471.
gnomAD v4.1: 7,239 of 112,372 alleles (6.4%); highest among the groups gnomAD compares: Middle Eastern, 12%; 175 homozygotes.

Submissions (2):

GeneDx
Classification: Benign. Last evaluated: 2018-06-14. Review status: criteria provided, single submitter. Criteria: GeneDx Variant Classification (06012015). Collection method: clinical testing. Allele origin: germline. Affected: yes.
Comment: This variant is considered likely benign or benign based on one or more of the following criteria: it is a conservative change, it occurs at a poorly conserved position in the protein, it is predicted to be benign by multiple in silico algorithms, and/or has population frequency not consistent with disease.

Natera, Inc.
Classification: Benign for Dystrophin deficiency. Last evaluated: 2020-04-11. Review status: no assertion criteria provided. Collection method: clinical testing. Allele origin: germline. Not counted in ClinVar's aggregate classification.